The following is an entry in ClinVar:

ClinVar aggregate classification (germline): Uncertain significance (1 of 4 stars; one submission).

gnomAD v4.1: 3 of 1,614,144 alleles (0.00019%); highest among the groups gnomAD compares: Admixed American, 0.0033%; no homozygotes.

Submission:

Labcorp Genetics (formerly Invitae), Labcorp
Classification: Uncertain significance. Last evaluated: 2022-05-12. Review status: criteria provided, single submitter. Criteria: Invitae Variant Classification Sherloc (09022015). Collection method: clinical testing. Allele origin: germline.
Comment: In summary, the available evidence is currently insufficient to determine the role of this variant in disease. Therefore, it has been classified as a Variant of Uncertain Significance. Algorithms developed to predict the effect of missense changes on protein structure and function (SIFT, PolyPhen-2, Align-GVGD) all suggest that this variant is likely to be tolerated. This variant has not been reported in the literature in individuals affected with SPART-related conditions. This variant is present in population databases (no rsID available, gnomAD 0.006%). This sequence change replaces glycine, which is neutral and non-polar, with valine, which is neutral and non-polar, at codon 98 of the SPART protein (p.Gly98Val).

NM_015087.5(SPART):c.293G>T (p.Gly98Val)

Gene: SPART (spartin; minus strand). Cytogenetic location: 13q13.3.
Variant type: single nucleotide variant.
Coding change: c.293G>T on transcript NM_015087.5 (MANE Select); coding-DNA position 293, G replaced by T.
Protein change: p.Gly98Val; replaces glycine 98 with valine.
Molecular consequence: missense variant.
Genome position (GRCh38, 1-based): chr13:36,335,538, C>A on the plus strand (G>T on the coding strand, the complement: SPART is on the minus strand). VCF-style: chr13-36335538-C-A. GRCh37 (hg19) VCF-style: chr13-36909675-C-A.
Other names: c.293G>T, p.Gly98Val (NM_001142294.2, NM_001142295.2, NM_001142296.2); short protein forms G98V.
Identifiers: ClinVar variation 2107413 (VCV002107413.4), dbSNP rs1239774322, ClinGen allele CA387864197.